The following is an entry in ClinVar:

NM_000038.6(APC):c.3160C>G (p.His1054Asp)

Gene: APC (APC regulator of Wnt signaling pathway; plus strand). Cytogenetic location: 5q22.2.
Variant type: single nucleotide variant.
Coding change: c.3160C>G on transcript NM_000038.6 (MANE Select); coding-DNA position 3160, C replaced by G.
Protein change: p.His1054Asp; replaces histidine 1054 with aspartic acid.
Molecular consequence: missense variant.
Genome position (GRCh38, 1-based): chr5:112,838,754, C>G. VCF-style: chr5-112838754-C-G. GRCh37 (hg19) VCF-style: chr5-112174451-C-G.
Other names: c.3160C>G, p.His1054Asp (NM_001127510.3, NM_001354895.2, NM_001407450.1); c.3106C>G, p.His1036Asp (NM_001127511.3); c.3214C>G, p.His1072Asp (NM_001354896.2, NM_001407447.1, NM_001407448.1 and 1 more transcripts); c.3190C>G, p.His1064Asp (NM_001354897.2); c.3085C>G, p.His1029Asp (NM_001354898.2); c.3076C>G, p.His1026Asp (NM_001354899.2); c.3037C>G, p.His1013Asp (NM_001354900.2); c.2983C>G, p.His995Asp (NM_001354901.2, NM_001407453.1); and 11 more; short protein forms H1013D, H1044D, H1082D, H925D, H953D, H963D, H971D, H1029D.
Identifiers: ClinVar variation 2199959 (VCV002199959.4), dbSNP rs1195583636, ClinGen allele CA16028258.

ClinVar aggregate classification (germline): Uncertain significance (1 of 4 stars; one submission).

Conditions:
Familial adenomatous polyposis 1 (FAP1). Also called: FAMILIAL ADENOMATOUS POLYPOSIS 1, ATTENUATED; POLYPOSIS, ADENOMATOUS INTESTINAL. Identifiers: MedGen C2713442, MONDO:0021056, OMIM 175100. Disease mechanism: loss of function.

gnomAD v4.1: 2 of 1,614,108 alleles (0.00012%); highest among the groups gnomAD compares: Non-Finnish European, 0.00017%; no homozygotes.

Submission:

Labcorp Genetics (formerly Invitae), Labcorp
Classification: Uncertain significance for Familial adenomatous polyposis 1. Last evaluated: 2024-08-20. Review status: criteria provided, single submitter. Criteria: Invitae Variant Classification Sherloc (09022015). Collection method: clinical testing. Allele origin: germline.
Comment: This sequence change replaces histidine, which is basic and polar, with aspartic acid, which is acidic and polar, at codon 1054 of the APC protein (p.His1054Asp). This variant is present in population databases (no rsID available, gnomAD 0.0009%). This variant has not been reported in the literature in individuals affected with APC-related conditions. ClinVar contains an entry for this variant (Variation ID: 2199959). Invitae Evidence Modeling of protein sequence and biophysical properties (such as structural, functional, and spatial information, amino acid conservation, physicochemical variation, residue mobility, and thermodynamic stability) indicates that this missense variant is not expected to disrupt APC protein function with a negative predictive value of 95%. In summary, the available evidence is currently insufficient to determine the role of this variant in disease. Therefore, it has been classified as a Variant of Uncertain Significance.